The following is an entry in ClinVar:

ClinVar aggregate classification (germline): Likely benign. Review status: criteria provided, multiple submitters, no conflicts (2 of 4 stars). 4 submissions from 4 submitters: Likely benign (4). Last evaluated 2025-11-13.

Conditions:
COL6A3-related disorder. Also called: COL6A3-related disorders; COL6A3-related condition.
Bethlem myopathy 1A. Also called: Bethlem myopathy 1; Bethlem Muscular Dystrophy; MYOPATHY, BENIGN CONGENITAL, WITH CONTRACTURES. Identifiers: Orphanet 610, MedGen CN029274, MONDO:0024530, OMIM 158810.

Allele frequency attached by ClinVar (database versions not stated): gnomAD exomes 0.00002; TOPMed 0.00002; ExAC 0.00003; gnomAD 0.00003.
gnomAD v4.1: 36 of 1,610,470 alleles (0.0022%); highest among the groups gnomAD compares: Middle Eastern, 0.017%; no homozygotes.

Submissions (4):

Labcorp Genetics (formerly Invitae), Labcorp
Classification: Likely benign for Bethlem myopathy 1A. Last evaluated: 2025-11-13. Review status: criteria provided, single submitter. Criteria: Invitae Variant Classification Sherloc (09022015). Collection method: clinical testing. Allele origin: germline.

PreventionGenetics, part of Exact Sciences
Classification: Likely benign for COL6A3-related condition. Last evaluated: 2025-04-17. Review status: criteria provided, single submitter. Criteria: ACMG Guidelines, 2015. Collection method: clinical testing. Allele origin: germline.
Comment: This variant is classified as likely benign based on ACMG/AMP sequence variant interpretation guidelines (Richards et al. 2015 PMID: 25741868, with internal and published modifications).

Blueprint Genetics
Classification: Likely benign. Last evaluated: 2024-09-23. Review status: criteria provided, single submitter. Criteria: ACMG Guidelines, 2015. Collection method: clinical testing. Allele origin: germline.

CeGaT Center for Human Genetics Tuebingen
Classification: Likely benign. Last evaluated: 2023-11-01. Review status: criteria provided, single submitter. Criteria: CeGaT Center For Human Genetics Tuebingen Variant Classification Criteria Version 2. Collection method: clinical testing. Allele origin: germline. Affected: yes. Observed: 2 variant alleles.
Comment: COL6A3: BP4, BP7

NM_004369.4(COL6A3):c.4254G>A (p.Lys1418=)

Gene: COL6A3 (collagen type VI alpha 3 chain; minus strand). Cytogenetic location: 2q37.3.
Variant type: single nucleotide variant.
Coding change: c.4254G>A on transcript NM_004369.4 (MANE Select); coding-DNA position 4254, G replaced by A.
Protein change: p.Lys1418=; no amino-acid change (lysine 1418 retained).
Molecular consequence: synonymous variant.
Genome position (GRCh38, 1-based): chr2:237,371,763, C>T on the plus strand (G>A on the coding strand, the complement: COL6A3 is on the minus strand). VCF-style: chr2-237371763-C-T. GRCh37 (hg19) VCF-style: chr2-238280406-C-T.
Other names: c.3033G>A, p.Lys1011= (NM_057164.5); c.3636G>A, p.Lys1212= (NM_057165.5, NM_057167.4); c.2433G>A, p.Lys811= (NM_057166.5).
Identifiers: ClinVar variation 425258 (VCV000425258.37), dbSNP rs528204718, ClinGen allele CA2188965.